The following is an entry in ClinVar:

NM_005751.5(AKAP9):c.7168G>C (p.Val2390Leu)

Gene: AKAP9 (A-kinase anchoring protein 9; plus strand). Cytogenetic location: 7q21.2.
Variant type: single nucleotide variant.
Coding change: c.7168G>C on transcript NM_005751.5 (MANE Select); coding-DNA position 7168, G replaced by C.
Protein change: p.Val2390Leu; replaces valine 2390 with leucine.
Molecular consequence: missense variant.
Genome position (GRCh38, 1-based): chr7:92,079,301, G>C. VCF-style: chr7-92079301-G-C. GRCh37 (hg19) VCF-style: chr7-91708615-G-C.
Other names: c.1813G>C, p.Val605Leu (NM_001379277.1); c.7144G>C, p.Val2382Leu (NM_147185.3); short protein forms V2390L, V605L, V2382L.
Identifiers: ClinVar variation 1757456 (VCV001757456.2), dbSNP rs1347909469, ClinGen allele CA368135122.

ClinVar aggregate classification (germline): Uncertain significance (1 of 4 stars; one submission).

Conditions:
Cardiovascular phenotype. Identifiers: MedGen CN230736.

Submission:

Ambry Genetics
Classification: Uncertain significance for Cardiovascular phenotype. Last evaluated: 2021-10-21. Review status: criteria provided, single submitter. Criteria: Ambry Variant Classification Scheme 2023. Collection method: clinical testing. Allele origin: germline.
Comment: The p.V2390L variant (also known as c.7168G>C), located in coding exon 31 of the AKAP9 gene, results from a G to C substitution at nucleotide position 7168. The valine at codon 2390 is replaced by leucine, an amino acid with highly similar properties. This amino acid position is conserved. In addition, this alteration is predicted to be tolerated by in silico analysis. Since supporting evidence is limited at this time, the clinical significance of this alteration remains unclear.